The following is an entry in ClinVar:

ClinVar aggregate classification (germline): Pathogenic. Review status: reviewed by expert panel (3 of 4 stars). 5 submissions from 5 submitters: Pathogenic (1). 4 of the submissions do not count toward it. Last evaluated 2023-05-25.

Conditions:
Cerebral creatine deficiency syndrome. Also called: Creatine deficiency syndromes. Identifiers: Orphanet 79172, MedGen C5244016, MONDO:0000456.
Deficiency of guanidinoacetate methyltransferase (CCDS2). Also called: GAMT DEFICIENCY; CEREBRAL CREATINE DEFICIENCY SYNDROME 2; Guanidinoacetate Methyltransferase (GAMT) Deficiency. Identifiers: Orphanet 382, MedGen C0574080, MONDO:0012999, OMIM 612736.

gnomAD v4.1: 5 of 1,613,606 alleles (0.00031%); highest among the groups gnomAD compares: South Asian, 0.0011%; no homozygotes.

Submissions (5):

ClinGen Cerebral Creatine Deficiency Syndromes Variant Curation Expert Panel, ClinGen
Classification: Pathogenic for Deficiency of guanidinoacetate methyltransferase. Last evaluated: 2023-05-25. Review status: reviewed by expert panel. Criteria: ClinGen_CCDS_ACMG_Specifications_GAMT_v1.1. Collection method: curation. Allele origin: germline. Inheritance: Autosomal recessive inheritance.
Comment: The NM_000156.6:c.402C>G (p.Tyr134Ter) variant in GAMT is a nonsense variant predicted to cause a premature stop codon in biologically relevant exon 4/6 leading to nonsense mediated decay in a gene in which loss-of-function is an established disease mechanism (PVS1). The highest population minor allele frequency in gnomAD v2.1.1 is 0.00003 in the South Asian population, which is lower than the ClinGen CCDS VCEP's threshold for PM2_Supporting, meeting this criterion (PM2_Supporting). This variant has been detected in one individual with GAMT deficiency (PMID: 19027335). This individual had elevated GAA and low creatine in plasma and significantly decreased creatine peak and visible GAA peak on brain MRS with full GAMT gene sequencing (PMID: 19027335) (PP4_Strong). There is a ClinVar entry for this variant (Variation ID: 947458, 2 star review status) with 3 submitters classifying the variant as pathogenic. In summary, this variant meets the criteria to be classified as pathogenic for GAMT deficiency based on the ACMG/AMP criteria applied, as specified by the ClinGen Cerebral Creatine Deficiency Syndromes Variant Curation Expert Panel (Specifications Version 1.1.0): PVS1, PM2_Supporting, PP4_Strong. (Classification approved by the ClinGen Cerebral Creatine Deficiency Syndromes Variant Curation Expert Panel on May 25, 2023)

Baylor Genetics
Classification: Pathogenic for Deficiency of guanidinoacetate methyltransferase. Last evaluated: 2023-12-23. Review status: criteria provided, single submitter. Criteria: ACMG Guidelines, 2015. Collection method: clinical testing. Allele origin: unknown. Not counted in ClinVar's aggregate classification.

Labcorp Genetics (formerly Invitae), Labcorp
Classification: Pathogenic for Cerebral creatine deficiency syndrome. Last evaluated: 2023-11-17. Review status: criteria provided, single submitter. Criteria: Invitae Variant Classification Sherloc (09022015). Collection method: clinical testing. Allele origin: germline. Not counted in ClinVar's aggregate classification.
Comment: This sequence change creates a premature translational stop signal (p.Tyr134*) in the GAMT gene. It is expected to result in an absent or disrupted protein product. Loss-of-function variants in GAMT are known to be pathogenic (PMID: 15108290). This variant is present in population databases (rs556829801, gnomAD 0.003%). This premature translational stop signal has been observed in individual(s) with guanidinoacetate methyltransferase deficiency (PMID: 19027335). ClinVar contains an entry for this variant (Variation ID: 947458). For these reasons, this variant has been classified as Pathogenic.

Broad Center for Mendelian Genomics, Broad Institute of MIT and Harvard
Classification: Pathogenic for Cerebral creatine deficiency syndrome. Last evaluated: 2021-11-02. Review status: criteria provided, single submitter. Criteria: ACMG Guidelines, 2015. Collection method: curation. Allele origin: germline. Inheritance: Autosomal recessive inheritance. Not counted in ClinVar's aggregate classification.
Comment: The p.Tyr134Ter variant in GAMT has been reported in 1 individual, in the compound heterozygous state, with cerebral creatine deficiency syndrome (PMID: 19027335) and has been identified in in 0.003% (1/30616) of South Asian chromosomes by the Genome Aggregation Database (gnomAD; dbSNP ID: rs556829801). Although this variant has been seen in the general population in a heterozygous state, its frequency is low enough to be consistent with a recessive carrier frequency. This variant has also been reported in ClinVar (Variation ID#: 947458) and has been interpreted as pathogenic by Invitae. This nonsense variant leads to a premature termination codon at position 134, which is predicted to lead to a truncated or absent protein. Loss of function of the GAMT gene is an established disease mechanism in autosomal recessive cerebral creatine deficiency syndrome. The phenotype of an individual compound heterozygous for this variant is highly specific for cerebral creatine deficiency syndrome based on strict biochemical investigations consistent with disease (PMID: 19027335). In summary, this variant meets criteria to be classified as pathogenic for autosomal recessive cerebral creatine deficiency syndrome. ACMG/AMP Criteria applied: PVS1, PP4_strong, PM2_supporting (Richards 2015).

Revvity Omics, Revvity
Classification: Pathogenic for Deficiency of guanidinoacetate methyltransferase. Last evaluated: 2021-06-10. Review status: criteria provided, single submitter. Criteria: ACMG Guidelines, 2015. Collection method: clinical testing. Allele origin: germline. Not counted in ClinVar's aggregate classification.

Literature cited by the submitters: PubMed 15108290 (cited by Labcorp Genetics (formerly Invitae), Labcorp); PubMed 19027335 (cited by Labcorp Genetics (formerly Invitae), Labcorp).

NM_000156.6(GAMT):c.402C>G (p.Tyr134Ter)

Gene: GAMT (guanidinoacetate N-methyltransferase; minus strand). Cytogenetic location: 19p13.3.
Variant type: single nucleotide variant.
Coding change: c.402C>G on transcript NM_000156.6 (MANE Select); coding-DNA position 402, C replaced by G.
Protein change: p.Tyr134Ter; replaces tyrosine 134 with a stop codon.
Molecular consequence: nonsense.
Genome position (GRCh38, 1-based): chr19:1,399,185, G>C on the plus strand (C>G on the coding strand, the complement: GAMT is on the minus strand). VCF-style: chr19-1399185-G-C. GRCh37 (hg19) VCF-style: chr19-1399184-G-C.
Other names: NM_000156.6(GAMT):c.402C>G; p.Tyr134Ter; c.402C>G, p.Tyr134Ter (NM_138924.3); short protein forms Y134*.
Identifiers: ClinVar variation 947458 (VCV000947458.16), dbSNP rs556829801, ClinGen allele CA9043673.